The following is an entry in ClinVar:

NM_003072.5(SMARCA4):c.2696C>A (p.Thr899Lys)

Gene: SMARCA4 (SWI/SNF related BAF chromatin remodeling complex subunit ATPase 4; plus strand). Cytogenetic location: 19p13.2.
Variant type: single nucleotide variant.
Coding change: c.2696C>A on transcript NM_003072.5 (MANE Select); coding-DNA position 2696, C replaced by A.
Protein change: p.Thr899Lys; replaces threonine 899 with lysine.
Molecular consequence: missense variant. On other transcripts: non-coding transcript variant (1).
Genome position (GRCh38, 1-based): chr19:11,021,804, C>A. VCF-style: chr19-11021804-C-A. GRCh37 (hg19) VCF-style: chr19-11132480-C-A.
Other names: c.2696C>A, p.Thr899Lys (NM_001128844.3, NM_001128845.2, NM_001128846.2 and 6 more transcripts); short protein forms T899K.
Identifiers: ClinVar variation 4802569 (VCV004802569.1).

ClinVar aggregate classification (germline): Uncertain significance (1 of 4 stars; one submission).

Conditions:
Rhabdoid tumor predisposition syndrome 2 (RTPS2). Identifiers: Orphanet 231108, Orphanet 69077, MedGen C2750074, MONDO:0013224, OMIM 613325.

gnomAD v4.1: 1 of 1,613,774 alleles (0.000062%); highest among the groups gnomAD compares: Non-Finnish European, 0.000085%; no homozygotes.

Submission:

Labcorp Genetics (formerly Invitae), Labcorp
Classification: Uncertain significance for Rhabdoid tumor predisposition syndrome 2. Last evaluated: 2025-10-28. Review status: criteria provided, single submitter. Criteria: Invitae Variant Classification Sherloc (09022015). Collection method: clinical testing. Allele origin: germline.
Comment: This sequence change replaces threonine, which is neutral and polar, with lysine, which is basic and polar, at codon 899 of the SMARCA4 protein (p.Thr899Lys). This variant is not present in population databases (gnomAD no frequency). This variant has not been reported in the literature in individuals affected with SMARCA4-related conditions. Invitae Evidence Modeling of protein sequence and biophysical properties (such as structural, functional, and spatial information, amino acid conservation, physicochemical variation, residue mobility, and thermodynamic stability) indicates that this missense variant is expected to disrupt SMARCA4 protein function with a positive predictive value of 95%. In summary, the available evidence is currently insufficient to determine the role of this variant in disease. Therefore, it has been classified as a Variant of Uncertain Significance.